The following is an entry in ClinVar:

ClinVar aggregate classification (germline): Likely benign (1 of 4 stars; one submission).

Submission:

GeneDx
Classification: Likely benign. Last evaluated: 2018-05-15. Review status: criteria provided, single submitter. Criteria: GeneDx Variant Classification (06012015). Collection method: clinical testing. Allele origin: germline. Affected: yes.
Comment: This variant is considered likely benign or benign based on one or more of the following criteria: it is a conservative change, it occurs at a poorly conserved position in the protein, it is predicted to be benign by multiple in silico algorithms, and/or has population frequency not consistent with disease.

NM_020822.3(KCNT1):c.3178-10_3178-1dup

Gene: KCNT1 (potassium sodium-activated channel subfamily T member 1; plus strand). Cytogenetic location: 9q34.3.
Variant type: Duplication.
Coding change: c.3178-10_3178-1dup on transcript NM_020822.3 (MANE Select); 10 bases into the intron before coding-DNA position 3178 through the canonical splice acceptor site of the intron before coding-DNA position 3178, 10 bases duplicated (CCCTGCCCAG; older notation c.3178-10_3178-1dupCCCTGCCCAG).
Molecular consequence: splice acceptor variant.
Genome position (GRCh38, 1-based): chr9:135,786,187-135,786,196, CCCTGCCCAG duplicated; duplicating any 10 consecutive bases within chr9:135,786,186-135,786,196 gives the same sequence; the c. name uses the placement nearest the transcript's 3' end. VCF-style (leftmost placement, unchanged base first): chr9-135786185-T-TGCCCTGCCCA. GRCh37 (hg19) VCF-style: chr9-138678031-T-TGCCCTGCCCA.
Other names: c.3043-10_3043-1dup (NM_001272003.2).
Identifiers: ClinVar variation 668228 (VCV000668228.1), dbSNP rs748283635, ClinGen allele CA5327740.